The following is an entry in ClinVar:

NM_000359.3(TGM1):c.958A>G (p.Asn320Asp)

Gene: TGM1 (transglutaminase 1; minus strand). Cytogenetic location: 14q12.
Variant type: single nucleotide variant.
Coding change: c.958A>G on transcript NM_000359.3 (MANE Select); coding-DNA position 958, A replaced by G.
Protein change: p.Asn320Asp; replaces asparagine 320 with aspartic acid.
Molecular consequence: missense variant.
Genome position (GRCh38, 1-based): chr14:24,259,730, T>C on the plus strand (A>G on the coding strand, the complement: TGM1 is on the minus strand). VCF-style: chr14-24259730-T-C. GRCh37 (hg19) VCF-style: chr14-24728936-T-C.
Other names: short protein forms N320D.
Identifiers: ClinVar variation 2169304 (VCV002169304.1), dbSNP rs777308173, ClinGen allele CA7131230.

ClinVar aggregate classification (germline): Uncertain significance (1 of 4 stars; one submission).

Allele frequency attached by ClinVar (database versions not stated): ExAC 0.00001; gnomAD 0.00001; gnomAD exomes 0.00001.

Submission:

Labcorp Genetics (formerly Invitae), Labcorp
Classification: Uncertain significance. Last evaluated: 2022-08-16. Review status: criteria provided, single submitter. Criteria: Invitae Variant Classification Sherloc (09022015). Collection method: clinical testing. Allele origin: germline.
Comment: This sequence change replaces asparagine, which is neutral and polar, with aspartic acid, which is acidic and polar, at codon 320 of the TGM1 protein (p.Asn320Asp). This variant is present in population databases (rs777308173, gnomAD 0.003%). This variant has not been reported in the literature in individuals affected with TGM1-related conditions. Advanced modeling of protein sequence and biophysical properties (such as structural, functional, and spatial information, amino acid conservation, physicochemical variation, residue mobility, and thermodynamic stability) performed at Invitae indicates that this missense variant is not expected to disrupt TGM1 protein function. In summary, the available evidence is currently insufficient to determine the role of this variant in disease. Therefore, it has been classified as a Variant of Uncertain Significance.